The following is an entry in ClinVar:

ClinVar aggregate classification (germline): Uncertain significance. Review status: criteria provided, multiple submitters, no conflicts (2 of 4 stars). 4 submissions from 4 submitters: Uncertain significance (4). Last evaluated 2023-09-06.

Conditions:
Hereditary cancer-predisposing syndrome. Also called: Neoplastic Syndromes, Hereditary; Tumor predisposition; Hereditary neoplastic syndrome; Hereditary Cancer Syndrome. Identifiers: Orphanet 140162, MedGen C0027672, MeSH D009386, MONDO:0015356.
Neurofibromatosis, type 1 (NF1). Also called: VON RECKLINGHAUSEN DISEASE; NEUROFIBROMATOSIS, TYPE I, SOMATIC; Peripheral type neurofibromatosis; Neurofibromatosis, type I. Identifiers: Orphanet 636, MedGen C0027831, MONDO:0018975, OMIM 162200. Disease mechanism: loss of function.

Submissions (4):

GeneDx
Classification: Uncertain significance. Last evaluated: 2023-09-06. Review status: criteria provided, single submitter. Criteria: GeneDx Variant Classification Process June 2021. Collection method: clinical testing. Allele origin: germline. Affected: yes.
Comment: Not observed at significant frequency in large population cohorts (gnomAD); In silico analysis supports that this missense variant does not alter protein structure/function; Identified in an individual with paraganglioma (Parisien-La Salle et al., 2022); This variant is associated with the following publications: (PMID: 9691142, 34750850)

Genome-Nilou Lab
Classification: Uncertain significance for Neurofibromatosis, type 1. Last evaluated: 2022-03-15. Review status: criteria provided, single submitter. Criteria: ACMG Guidelines, 2015. Collection method: clinical testing. Allele origin: germline. Affected: no.

Sema4
Classification: Uncertain significance for Hereditary cancer-predisposing syndrome. Last evaluated: 2021-04-27. Review status: criteria provided, single submitter. Criteria: Sema4 Curation Guidelines. Collection method: curation. Allele origin: germline.
Comment: The NF1 c.5097G>C (p.E1699D) variant has not been reported in the literature to our knowledge. It was not observed in the large and broad cohorts of the Genome Aggregation Database (PMID: 32461654). The variant has been reported in ClinVar (Variation ID: 527455). A different nucleotide change, c.5097G>T, that results in the same amino acid change (p.E1699D), has been reported in heterozygosity in one individual with juvenile chronic myelogenous leukemia without neurofibromatosis type 1 (PMID: 9691142). In silico tools suggest the impact of the variant on protein function is inconclusive, though these predictions have not been confirmed by functional studies. The evidence is insufficient to meet ACMG/AMP criteria for classifying the variant as benign or pathogenic. Thus, the clinical significance of this variant is currently uncertain.

Labcorp Genetics (formerly Invitae), Labcorp
Classification: Uncertain significance for Neurofibromatosis, type 1. Last evaluated: 2017-10-21. Review status: criteria provided, single submitter. Criteria: Invitae Variant Classification Sherloc (09022015). Collection method: clinical testing. Allele origin: germline.
Comment: This sequence change replaces glutamic acid with aspartic acid at codon 1699 of the NF1 protein (p.Glu1699Asp). The glutamic acid residue is moderately conserved and there is a small physicochemical difference between glutamic acid and aspartic acid. This variant is not present in population databases (ExAC no frequency). While this particular variant has not been reported in the literature, a different nucleotide change resulting in the same protein effect (p.Glu1699Asp) has been reported in an individual affected with juvenile chronic myelogenous leukemia without neurofibromatosis type 1 (PMID: 9691142). Algorithms developed to predict the effect of missense changes on protein structure and function output the following: SIFT: "Tolerated"; PolyPhen-2: "Benign"; Align-GVGD: "Class C0". The aspartic acid amino acid residue is found in multiple mammalian species, suggesting that this missense change does not adversely affect protein function. These predictions have not been confirmed by published functional studies and their clinical significance is uncertain. In summary, the available evidence is currently insufficient to determine the role of this variant in disease. Therefore, it has been classified as a Variant of Uncertain Significance.

Literature cited by the submitters: PubMed 9691142 (cited by Sema4 and Labcorp Genetics (formerly Invitae), Labcorp).

NM_001042492.3(NF1):c.5160G>C (p.Glu1720Asp)

Gene: NF1 (neurofibromin 1; plus strand). Cytogenetic location: 17q11.2.
Variant type: single nucleotide variant.
Coding change: c.5160G>C on transcript NM_001042492.3 (MANE Select); coding-DNA position 5160, G replaced by C.
Protein change: p.Glu1720Asp; replaces glutamic acid 1720 with aspartic acid.
Molecular consequence: missense variant.
Genome position (GRCh38, 1-based): chr17:31,326,144, G>C. VCF-style: chr17-31326144-G-C. GRCh37 (hg19) VCF-style: chr17-29653162-G-C.
Other names: c.5097G>C, p.Glu1699Asp (NM_000267.4); short protein forms E1699D, E1720D.
Identifiers: ClinVar variation 527455 (VCV000527455.9), dbSNP rs773378630, ClinGen allele CA399007850.